The following is an entry in ClinVar:

ClinVar aggregate classification (germline): Likely pathogenic (1 of 4 stars; one submission).

Conditions:
Dilated cardiomyopathy 1G (CMD1G). Identifiers: Orphanet 154, MedGen C1858763, MONDO:0011400, OMIM 604145.
Autosomal recessive limb-girdle muscular dystrophy type 2J (LGMDR10). Also called: Limb-girdle muscular dystrophy, type 2J; MUSCULAR DYSTROPHY, LIMB-GIRDLE, AUTOSOMAL RECESSIVE 10. Identifiers: Orphanet 140922, MedGen C1837342, MONDO:0012127, OMIM 608807.

Allele frequency attached by ClinVar (database versions not stated): gnomAD exomes below 0.00001; TOPMed below 0.00001; gnomAD 0.00001.
gnomAD v4.1: 3 of 1,599,138 alleles (0.00019%); highest among the groups gnomAD compares: Non-Finnish European, 0.00026%; no homozygotes.

Submission:

Labcorp Genetics (formerly Invitae), Labcorp
Classification: Likely pathogenic for Dilated cardiomyopathy 1G; Autosomal recessive limb-girdle muscular dystrophy type 2J. Last evaluated: 2024-10-28. Review status: criteria provided, single submitter. Criteria: Invitae Variant Classification Sherloc (09022015). Collection method: clinical testing. Allele origin: germline.
Comment: This sequence change affects an acceptor splice site in intron 125 of the TTN gene. It is expected to disrupt RNA splicing and likely results in a truncated or disrupted TTN protein. This variant is not present in population databases (gnomAD no frequency). This variant has not been reported in the literature in individuals affected with TTN-related conditions. ClinVar contains an entry for this variant (Variation ID: 2072535). Algorithms developed to predict the effect of sequence changes on RNA splicing suggest that this variant may disrupt the consensus splice site. This variant is located in the I band of TTN (PMID: 25589632). Truncating variants in this region have been reported in individuals affected with autosomal recessive centronuclear myopathy (PMID: 23975875, internal data). Truncating variants in this region have also been identified in individuals affected with autosomal dominant dilated cardiomyopathy and/or cardio-related conditions (PMID: 27869827, 32964742, internal data). In summary, the currently available evidence indicates that the variant is pathogenic, but additional data are needed to prove that conclusively. Therefore, this variant has been classified as Likely Pathogenic.

Literature cited by the submitters: PubMed 25589632; PubMed 23975875; PubMed 27869827; PubMed 32964742.

NM_001267550.2(TTN):c.32096-1G>T

Gene: TTN (titin; minus strand). Cytogenetic location: 2q31.2.
Variant type: single nucleotide variant.
Coding change: c.32096-1G>T on transcript NM_001267550.2 (MANE Select); the canonical splice acceptor site of the intron before coding-DNA position 32096, G replaced by T.
Molecular consequence: splice acceptor variant. On other transcripts: intron variant (3).
Genome position (GRCh38, 1-based): chr2:178,688,779, C>A on the plus strand (G>T on the coding strand, the complement: TTN is on the minus strand). VCF-style: chr2-178688779-C-A. GRCh37 (hg19) VCF-style: chr2-179553506-C-A.
Other names: c.13283-46462G>T (NM_003319.4); c.13859-46462G>T (NM_133437.4); c.13658-46462G>T (NM_133432.3); c.28364-1G>T (NM_133378.4); c.31145-1G>T (NM_001256850.1).
Identifiers: ClinVar variation 2072535 (VCV002072535.4), dbSNP rs2071539166, ClinGen allele CA349553770.